The following is an entry in ClinVar:

NM_003227.4(TFR2):c.64G>A (p.Val22Ile)

Gene: TFR2 (transferrin receptor 2; minus strand). Cytogenetic location: 7q22.1.
Variant type: single nucleotide variant.
Coding change: c.64G>A on transcript NM_003227.4 (MANE Select); coding-DNA position 64, G replaced by A.
Protein change: p.Val22Ile; replaces valine 22 with isoleucine.
Molecular consequence: missense variant.
Genome position (GRCh38, 1-based): chr7:100,641,198, C>T on the plus strand (G>A on the coding strand, the complement: TFR2 is on the minus strand). VCF-style: chr7-100641198-C-T. GRCh37 (hg19) VCF-style: chr7-100238821-C-T.
Other names: short protein forms V22I.
Identifiers: ClinVar variation 21377 (VCV000021377.8), dbSNP rs80338876, ClinGen allele CA341994.

ClinVar aggregate classification (germline): Uncertain significance. Review status: criteria provided, multiple submitters, no conflicts (2 of 4 stars). 3 submissions from 3 submitters: Uncertain significance (2). 1 of the submissions does not count toward it. Last evaluated 2022-03-02.

Conditions:
Hemochromatosis type 3 (HFE3). Also called: TFR2-Related Hemochromatosis; HEMOCHROMATOSIS DUE TO DEFECT IN TRANSFERRIN RECEPTOR 2; Hereditary hemochromatosis type 3. Identifiers: Orphanet 225123, MedGen C1858664, MONDO:0011417, OMIM 604250.

Allele frequency attached by ClinVar (database versions not stated): gnomAD exomes 0.00008; TOPMed 0.00012; gnomAD 0.00014 and 0.00017; 1000 Genomes Project 0.00020; ExAC 0.00029; 1000 Genomes Project 30x 0.00031.
gnomAD v4.1: 178 of 1,532,550 alleles (0.012%); highest among the groups gnomAD compares: Non-Finnish European, 0.014%; no homozygotes.

Submissions (3):

Fulgent Genetics
Classification: Uncertain significance for Hemochromatosis type 3. Last evaluated: 2022-03-02. Review status: criteria provided, single submitter. Criteria: ACMG Guidelines, 2015. Collection method: clinical testing. Allele origin: unknown.

Illumina Laboratory Services, Illumina
Classification: Uncertain significance for Hemochromatosis type 3. Last evaluated: 2017-04-27. Review status: criteria provided, single submitter. Criteria: ICSL Variant Classification Criteria 13 December 2019. Collection method: clinical testing. Allele origin: germline.
Comment: This variant was observed as part of a predisposition screen in an ostensibly healthy population. A literature search was performed for the gene, cDNA change, and amino acid change (where applicable). Publications were found based on this search. However, the evidence from the literature, in combination with allele frequency data from public databases where available, was not sufficient to rule this variant in or out of causing disease. Therefore, this variant is classified as a variant of unknown significance.

GeneReviews
No classification provided. Condition: Hemochromatosis type 3. Review status: no classification provided. Collection method: literature only. Allele origin: unknown. Not counted in ClinVar's aggregate classification.

Literature cited by the submitters: PubMed 18245657 (cited by Illumina Laboratory Services, Illumina and GeneReviews); PubMed 14633868 (cited by Illumina Laboratory Services, Illumina); PubMed 20301523 (cited by GeneReviews); NCBI Bookshelf NBK1349 (cited by GeneReviews).